The following is an entry in ClinVar:

NM_004304.5(ALK):c.4512C>A (p.Asn1504Lys)

Gene: ALK (ALK receptor tyrosine kinase; minus strand). Cytogenetic location: 2p23.2.
Variant type: single nucleotide variant.
Coding change: c.4512C>A on transcript NM_004304.5 (MANE Select); coding-DNA position 4512, C replaced by A.
Protein change: p.Asn1504Lys; replaces asparagine 1504 with lysine.
Molecular consequence: missense variant.
Genome position (GRCh38, 1-based): chr2:29,193,575, G>T on the plus strand (C>A on the coding strand, the complement: ALK is on the minus strand). VCF-style: chr2-29193575-G-T. GRCh37 (hg19) VCF-style: chr2-29416441-G-T.
Other names: c.1308C>A, p.Asn436Lys (NM_001353765.2); short protein forms N1504K, N436K.
Identifiers: ClinVar variation 852565 (VCV000852565.9), dbSNP rs527638667, ClinGen allele CA346461124.
Genomic context (GRCh38, chr2:29,193,575, plus strand): 5'-CTTTGCTATAGGATTATTCTTTTTGGTGGGTTTCTCTGTAAACCAGGAGCCGTACGTTGG[G>T]TTCCACAAGCTGGTGGGCTTGTTTCTGGATCCGTGGACCTTGTGCAACTCCGAAGGAGGG-3'
Protein context (NP_004295.2, residues 1494-1514): GSRNKPTSLW[Asn1504Lys]PTYGSWFTEK

ClinVar aggregate classification (germline): Uncertain significance (1 of 4 stars; one submission).

Conditions:
Neuroblastoma, susceptibility to, 3. Also called: ALK-Related Neuroblastic Tumor Susceptibility. Identifiers: Orphanet 635, MedGen C2751681, MONDO:0013083, OMIM 613014.

Submission:

Labcorp Genetics (formerly Invitae), Labcorp
Classification: Uncertain significance for Neuroblastoma, susceptibility to, 3. Last evaluated: 2019-11-21. Review status: criteria provided, single submitter. Criteria: Invitae Variant Classification Sherloc (09022015). Collection method: clinical testing. Allele origin: germline.
Comment: This variant has not been reported in the literature in individuals with ALK-related conditions. Algorithms developed to predict the effect of missense changes on protein structure and function are either unavailable or do not agree on the potential impact of this missense change (SIFT: "Deleterious"; PolyPhen-2: "Probably Damaging"; Align-GVGD: "Class C0"). In summary, the available evidence is currently insufficient to determine the role of this variant in disease. Therefore, it has been classified as a Variant of Uncertain Significance. This sequence change replaces asparagine with lysine at codon 1504 of the ALK protein (p.Asn1504Lys). The asparagine residue is highly conserved and there is a moderate physicochemical difference between asparagine and lysine. This variant is not present in population databases (ExAC no frequency).